The following is an entry in ClinVar:

NM_006282.5(STK4):c.946G>A (p.Asp316Asn)

Gene: STK4 (serine/threonine kinase 4; plus strand). Cytogenetic location: 20q13.12.
Variant type: single nucleotide variant.
Coding change: c.946G>A on transcript NM_006282.5 (MANE Select); coding-DNA position 946, G replaced by A.
Protein change: p.Asp316Asn; replaces aspartic acid 316 with asparagine.
Molecular consequence: missense variant.
Genome position (GRCh38, 1-based): chr20:45,000,506, G>A. VCF-style: chr20-45000506-G-A. GRCh37 (hg19) VCF-style: chr20-43629147-G-A.
Other names: c.946G>A, p.Asp316Asn (NM_001352385.2); short protein forms D316N.
Identifiers: ClinVar variation 1975512 (VCV001975512.5), dbSNP rs374601797, ClinGen allele CA9873933.
Genomic context (GRCh38, chr20:45,000,506, plus strand): 5'-GAAGCCATGGATGTGAAACTGAAACGCCAGGAATCCCAGCAGCGGGAAGTGGACCAGGAC[G>A]ATGAAGAAAACTCAGTGAGTGGCAGCCGTTGCTGTGGGCCTCAGACATTGATGCTTGTTA-3'
Protein context (NP_006273.1, residues 306-326): ESQQREVDQD[Asp316Asn]EENSEEDEMD

ClinVar aggregate classification (germline): Uncertain significance (1 of 4 stars; one submission).

Conditions:
Combined immunodeficiency due to STK4 deficiency (IMD110). Also called: T-cell immunodeficiency, recurrent infections, and autoimmunity with or without cardiac malformations; STK4 DEFICIENCY; MST1 DEFICIENCY. Identifiers: Orphanet 314689, MedGen C3553943, MONDO:0013934, OMIM 614868.

Allele frequency attached by ClinVar (database versions not stated): ESP Exome Variant Server 0.00008.
gnomAD v4.1: 6 of 1,613,878 alleles (0.00037%); highest among the groups gnomAD compares: East Asian, 0.0022%; no homozygotes.

Submission:

Labcorp Genetics (formerly Invitae), Labcorp
Classification: Uncertain significance for Combined immunodeficiency due to STK4 deficiency. Last evaluated: 2025-12-19. Review status: criteria provided, single submitter. Criteria: Invitae Variant Classification Sherloc (09022015). Collection method: clinical testing. Allele origin: germline.
Comment: This sequence change replaces aspartic acid, which is acidic and polar, with asparagine, which is neutral and polar, at codon 316 of the STK4 protein (p.Asp316Asn). The frequency data for this variant in the population databases is considered unreliable, as metrics indicate poor data quality at this position in the gnomAD database. This variant has not been reported in the literature in individuals affected with STK4-related conditions. ClinVar contains an entry for this variant (Variation ID: 1975512). Invitae Evidence Modeling of protein sequence and biophysical properties (such as structural, functional, and spatial information, amino acid conservation, physicochemical variation, residue mobility, and thermodynamic stability) indicates that this missense variant is not expected to disrupt STK4 protein function with a negative predictive value of 95%. In summary, the available evidence is currently insufficient to determine the role of this variant in disease. Therefore, it has been classified as a Variant of Uncertain Significance.